The following is an entry in ClinVar:

ClinVar aggregate classification (germline): Benign. Review status: criteria provided, multiple submitters, no conflicts (2 of 4 stars). 4 submissions from 3 submitters: Benign (4). Last evaluated 2018-08-11.

Conditions:
Brain-lung-thyroid syndrome. Also called: CHOREOATHETOSIS AND CONGENITAL HYPOTHYROIDISM WITH PULMONARY DYSFUNCTION; Choreoathetosis, Congenital Hypothyroidism, and Neonatal Respiratory Distress Syndrome (Brain-Lung-Thyroid Syndrome); Choreoathetosis, congenital hypothyroidism, and neonatal respiratory distress. Identifiers: Orphanet 209905, MedGen C1970269, MONDO:0012593, OMIM 610978.
Benign hereditary chorea (BHC). Also called: Benign Hereditary Chorea (BHC); HEREDITARY PROGRESSIVE CHOREA WITHOUT DEMENTIA. Identifiers: Orphanet 1429, MedGen C0393584, MONDO:0021011, OMIM 118700.

Allele frequency attached by ClinVar (database versions not stated): TOPMed 0.07543; 1000 Genomes Project 30x 0.10775; 1000 Genomes Project 0.10803.

Submissions (4):

GeneDx
Classification: Benign. Last evaluated: 2018-08-11. Review status: criteria provided, single submitter. Criteria: GeneDx Variant Classification Process June 2021. Collection method: clinical testing. Allele origin: germline. Affected: yes.

Illumina Laboratory Services, Illumina
Classification: Benign for Benign hereditary chorea. Last evaluated: 2018-01-12. Review status: criteria provided, single submitter. Criteria: ICSL Variant Classification Criteria 13 December 2019. Collection method: clinical testing. Allele origin: germline.
Comment: This variant was observed in the ICSL laboratory as part of a predisposition screen in an ostensibly healthy population. It had not been previously curated by ICSL or reported in the Human Gene Mutation Database (HGMD: prior to June 1st, 2018), and was therefore a candidate for classification through an automated scoring system. Utilizing variant allele frequency, disease prevalence and penetrance estimates, and inheritance mode, an automated score was calculated to assess if this variant is too frequent to cause the disease. Based on the score and internal cut-off values, a variant classified as benign is not then subjected to further curation. The score for this variant resulted in a classification of benign for this disease.

Illumina Laboratory Services, Illumina
Classification: Benign for Brain-lung-thyroid syndrome. Last evaluated: 2018-01-12. Review status: criteria provided, single submitter. Criteria: ICSL Variant Classification Criteria 13 December 2019. Collection method: clinical testing. Allele origin: germline.
Comment: the same text as in the submission from Illumina Laboratory Services, Illumina above.

Breakthrough Genomics
Classification: Benign. Review status: criteria provided, single submitter. Criteria: ACMG Guidelines, 2015. Collection method: not provided. Allele origin: germline. Inheritance: Autosomal dominant inheritance. Affected: yes.

NM_001079668.3(NKX2-1):c.-85G>T

Genes: NKX2-1 (NK2 homeobox 1; minus strand), NKX2-1-AS1 (NKX2-1 antisense RNA 1; plus strand). Cytogenetic location: 14q13.3.
Variant type: single nucleotide variant.
Coding change: c.-85G>T on transcript NM_001079668.3 (MANE Select); 85 bases upstream of the start codon, G replaced by T.
Molecular consequence: 5 prime UTR variant.
Genome position (GRCh38, 1-based): chr14:36,520,214, C>A on the plus strand (G>T on the coding strand, the complement: NKX2-1 is on the minus strand). VCF-style: chr14-36520214-C-A. GRCh37 (hg19) VCF-style: chr14-36989419-C-A.
Identifiers: ClinVar variation 313149 (VCV000313149.7), dbSNP rs2076751, ClinGen allele CA10640148.